The following is an entry in ClinVar:

ClinVar aggregate classification (germline): Uncertain significance (1 of 4 stars; one submission).

Submission:

Women's Health and Genetics/Laboratory Corporation of America, LabCorp
Classification: Uncertain significance. Last evaluated: 2026-03-03. Review status: criteria provided, single submitter. Criteria: LabCorp Variant Classification Summary - May 2015. Collection method: clinical testing. Allele origin: germline.
Comment: Variant summary: The variant involves the duplication of exons 1-21 in the CPLANE1 gene. A presumed nomenclature of c.(?_-180)_(3811+1_3812-1)dup has been designated for the purposes of this classification. The exact breakpoint at the 5' end of this variant is unknown, therefore this duplication may extend upstream of the annotated region of this gene. It is predicted to duplicate a segment including the initiation codon, therefore its impact on the encoded protein is unknown. A large duplication variant (size ~343.7 kbp) which covers exons 1-21 in the CPLANE1 gene (also affecting other downstream flanking genes) was found at a frequency of 2.5e-05 in 120770 control chromosomes in the gnomAD database (Structural Variants v4.1 dataset). The available data on variant occurrences in the general population are insufficient to allow any conclusion about variant significance. To our knowledge, no occurrence of c.(?_-180)_(3811+1_3812-1)dup in individuals affected with CPLANE1-related conditions and no experimental evidence demonstrating its impact on protein function have been reported. No submitters have cited clinical-significance assessments for this variant to ClinVar. Based on the evidence outlined above, the variant was classified as uncertain significance.

NC_000005.9:g.(37187945_37195959)_(37249479_?)dup

Gene: CPLANE1 (ciliogenesis and planar polarity effector complex subunit 1; minus strand). Cytogenetic location: 5p13.2.
Variant type: Duplication.
Identifiers: ClinVar variation 4847497 (VCV004847497.1).